The following is an entry in ClinVar:

NM_198253.3(TERT):c.538G>A (p.Ala180Thr)

Gene: TERT (telomerase reverse transcriptase; minus strand). Cytogenetic location: 5p15.33.
Variant type: single nucleotide variant.
Coding change: c.538G>A on transcript NM_198253.3 (MANE Select); coding-DNA position 538, G replaced by A.
Protein change: p.Ala180Thr; replaces alanine 180 with threonine.
Molecular consequence: missense variant. On other transcripts: non-coding transcript variant (2).
Genome position (GRCh38, 1-based): chr5:1,294,348, C>T on the plus strand (G>A on the coding strand, the complement: TERT is on the minus strand). VCF-style: chr5-1294348-C-T. GRCh37 (hg19) VCF-style: chr5-1294463-C-T.
Other names: c.538G>A, p.Ala180Thr (NM_001193376.3); short protein forms A180T.
Identifiers: ClinVar variation 1036397 (VCV001036397.47), dbSNP rs1751237418, ClinGen allele CA359057643.

ClinVar aggregate classification (germline): Uncertain significance (1 of 4 stars; one submission).

Conditions:
Dyskeratosis congenita, autosomal dominant 2. Identifiers: MedGen C3151443, MONDO:0013521, OMIM 613989.
Idiopathic Pulmonary Fibrosis. Also called: Idiopathic fibrosing alveolitis, chronic form; idiopathic fibrosing alveolitis. Identifiers: Orphanet 2032, MedGen C1800706, MeSH D054990, MONDO:0800504.

Submission:

Labcorp Genetics (formerly Invitae), Labcorp
Classification: Uncertain significance for Dyskeratosis congenita, autosomal dominant 2; Idiopathic Pulmonary Fibrosis. Last evaluated: 2021-08-26. Review status: criteria provided, single submitter. Criteria: Invitae Variant Classification Sherloc (09022015). Collection method: clinical testing. Allele origin: germline.
Comment: This variant has not been reported in the literature in individuals with TERT-related conditions. The frequency data for this variant in the population databases is considered unreliable, as metrics indicate insufficient coverage at this position in the ExAC database. This sequence change replaces alanine with threonine at codon 180 of the TERT protein (p.Ala180Thr). The alanine residue is weakly conserved and there is a small physicochemical difference between alanine and threonine. Algorithms developed to predict the effect of missense changes on protein structure and function output the following: SIFT: "Tolerated"; PolyPhen-2: "Benign"; Align-GVGD: "Class C0". The threonine amino acid residue is found in multiple mammalian species, suggesting that this missense change does not adversely affect protein function. These predictions have not been confirmed by published functional studies and their clinical significance is uncertain. In summary, the available evidence is currently insufficient to determine the role of this variant in disease. Therefore, it has been classified as a Variant of Uncertain Significance.